The following continues an entry in ClinVar:

NM_000492.4(CFTR):c.2290C>T (p.Arg764Ter)

Gene: CFTR. ClinVar aggregate classification (germline): Pathogenic. Pathogenic (1).

Submissions 12 to 16 of 16:

Myriad Genetics, Inc.
Classification: Pathogenic for Cystic fibrosis. Last evaluated: 2019-12-09. Review status: criteria provided, single submitter. Criteria: Myriad Women's Health Autosomal Recessive and X-Linked Classification Criteria (2019). Collection method: clinical testing. Allele origin: unknown. Not counted in ClinVar's aggregate classification.
Comment: NM_000492.3(CFTR):c.2290C>T(R764*) is classified as pathogenic in the context of cystic fibrosis and is associated with the classic form of disease. Sources cited for classification include the following: PMID 8956039 and 23974870. Classification of NM_000492.3(CFTR):c.2290C>T(R764*) is based on the following criteria: The variant causes a premature termination codon that is expected to be targeted by nonsense-mediated mRNA decay and is reported in individuals with the relevant phenotype. Please note: this variant was assessed in the context of healthy population screening.

Mendelics
Classification: Pathogenic for Cystic fibrosis. Last evaluated: 2018-11-05. Review status: criteria provided, single submitter. Criteria: Mendelics Assertion Criteria 2017. Collection method: clinical testing. Allele origin: unknown. Affected: yes. Not counted in ClinVar's aggregate classification.

CFTR-France
Classification: Pathogenic for cystic fibrosis. Last evaluated: 2018-01-29. Review status: criteria provided, single submitter. Criteria: Claustres M et al. (Hum Mutat 2017). Collection method: curation. Allele origin: germline. Affected: yes. Not counted in ClinVar's aggregate classification.

Baylor Genetics
Classification: Pathogenic for Congenital bilateral aplasia of vas deferens from CFTR mutation; Cystic fibrosis. Review status: criteria provided, single submitter. Criteria: ACMG Guidelines, 2015. Collection method: clinical testing. Allele origin: germline. Not counted in ClinVar's aggregate classification.

Gene Friend Way, National Innovation Center
Classification: Pathogenic for Type 2 diabetes mellitus. Last evaluated: 2025-01-01. Review status: no assertion criteria provided. Collection method: clinical testing. Allele origin: unknown. Affected: yes. Observed: 1 variant allele. Not counted in ClinVar's aggregate classification.
Comment: The variant causes a premature termination codon, result in an absent or disrupted protein product. Loss-of-function variants in CFTR are known to be pathogenic (PMID: 1695717, 7691345, 9725922). Studies showed that CFTR played roles in glucose-induced electrical activities and insulin secretion in β-cells (PMID: 25025956).

Literature cited by the submitters: PubMed 21909392 (cited by Natera, Inc. and Women's Health and Genetics/Laboratory Corporation of America, LabCorp); PubMed 1695717 (cited by Labcorp Genetics (formerly Invitae), Labcorp and Gene Friend Way, National Innovation Center); PubMed 7691345 (cited by Labcorp Genetics (formerly Invitae), Labcorp and Gene Friend Way, National Innovation Center); PubMed 9725922 (cited by Labcorp Genetics (formerly Invitae), Labcorp and Gene Friend Way, National Innovation Center); PubMed 8956039 (cited by 4 submitters); PubMed 21097845 (cited by 3 submitters); PubMed 21520337 (cited by 3 submitters); PubMed 23974870 (cited by 5 submitters); PubMed 27086061 (cited by Labcorp Genetics (formerly Invitae), Labcorp); PubMed 28544683 (cited by Labcorp Genetics (formerly Invitae), Labcorp and Quest Diagnostics Nichols Institute San Juan Capistrano); PubMed 28603918 (cited by Labcorp Genetics (formerly Invitae), Labcorp); PubMed 38966678 (cited by Quest Diagnostics Nichols Institute San Juan Capistrano); PubMed 37833986 (cited by Quest Diagnostics Nichols Institute San Juan Capistrano); PubMed 34860163 (cited by Quest Diagnostics Nichols Institute San Juan Capistrano); PubMed 34377682 (cited by Quest Diagnostics Nichols Institute San Juan Capistrano); PubMed 35858753 (cited by Quest Diagnostics Nichols Institute San Juan Capistrano); PubMed 35086832 (cited by Quest Diagnostics Nichols Institute San Juan Capistrano); PubMed 22975760 (cited by Quest Diagnostics Nichols Institute San Juan Capistrano); PubMed 25525159 (cited by Quest Diagnostics Nichols Institute San Juan Capistrano); PubMed 32429104 (cited by Quest Diagnostics Nichols Institute San Juan Capistrano); PubMed 11788090 (cited by Ambry Genetics and Women's Health and Genetics/Laboratory Corporation of America, LabCorp); PubMed 14685937 (cited by Women's Health and Genetics/Laboratory Corporation of America, LabCorp); PubMed 18373402 (cited by Women's Health and Genetics/Laboratory Corporation of America, LabCorp); PubMed 21184098 (cited by Women's Health and Genetics/Laboratory Corporation of America, LabCorp); PubMed 23276700 (cited by Women's Health and Genetics/Laboratory Corporation of America, LabCorp); PubMed 25025956 (cited by Gene Friend Way, National Innovation Center).